The following is an entry in ClinVar:

NM_004304.5(ALK):c.3074C>A (p.Pro1025His)

Gene: ALK (ALK receptor tyrosine kinase; minus strand). Cytogenetic location: 2p23.2.
Variant type: single nucleotide variant.
Coding change: c.3074C>A on transcript NM_004304.5 (MANE Select); coding-DNA position 3074, C replaced by A.
Protein change: p.Pro1025His; replaces proline 1025 with histidine.
Molecular consequence: missense variant.
Genome position (GRCh38, 1-based): chr2:29,225,559, G>T on the plus strand (C>A on the coding strand, the complement: ALK is on the minus strand). VCF-style: chr2-29225559-G-T. GRCh37 (hg19) VCF-style: chr2-29448425-G-T.
Other names: short protein forms P1025H.
Identifiers: ClinVar variation 2566560 (VCV002566560.2), dbSNP rs748284394, ClinGen allele CA346467086.

ClinVar aggregate classification (germline): Uncertain significance (1 of 4 stars; one submission).

Conditions:
Hereditary cancer-predisposing syndrome. Also called: Neoplastic Syndromes, Hereditary; Hereditary Cancer Syndrome; Hereditary neoplastic syndrome; Tumor predisposition. Identifiers: Orphanet 140162, MedGen C0027672, MeSH D009386, MONDO:0015356.

Submission:

Ambry Genetics
Classification: Uncertain significance for Hereditary cancer-predisposing syndrome. Last evaluated: 2023-03-31. Review status: criteria provided, single submitter. Criteria: Ambry Variant Classification Scheme 2023. Collection method: clinical testing. Allele origin: germline.
Comment: The p.P1025H variant (also known as c.3074C>A), located in coding exon 19 of the ALK gene, results from a C to A substitution at nucleotide position 3074. The proline at codon 1025 is replaced by histidine, an amino acid with similar properties. This amino acid position is conserved. In addition, this alteration is predicted to be tolerated by in silico analysis. Since supporting evidence is limited at this time, the clinical significance of this alteration remains unclear.